The following is an entry in ClinVar:

ClinVar aggregate classification (germline): Uncertain significance (1 of 4 stars; one submission).

Conditions:
Hypotonia, infantile, with psychomotor retardation and characteristic facies 1 (INNFD). Identifiers: Orphanet 371364, Orphanet 700336, MedGen C3809454, MONDO:0024567, OMIM 615419.

Allele frequency attached by ClinVar (database versions not stated): gnomAD 0.00001; TOPMed 0.00001; gnomAD exomes below 0.00001; ExAC 0.00001.
gnomAD v4.1: 4 of 1,612,292 alleles (0.00025%); highest among the groups gnomAD compares: African/African-American, 0.004%; no homozygotes.

Submission:

Neuberg Centre For Genomic Medicine, NCGM
Classification: Uncertain significance for Hypotonia, infantile, with psychomotor retardation and characteristic facies 1. Review status: criteria provided, single submitter. Criteria: ACMG Guidelines, 2015. Collection method: clinical testing. Allele origin: germline. Inheritance: Autosomal recessive inheritance. Affected: yes.
Comment: The missense variant in c.3265A>G (p.Ile1089Val) in NALCN gene has not been reported previously as a pathogenic variant nor as a benign variant, to our knowledge. The p.Ile1089Val variant is reported with the allele frequency of 0.0007130% in gnomAD and is novel (not in any individuals) in1000 Genomes. This variant has not been reported to the ClinVar database. The amino acid Ile at position 1089 is changed to a Val changing protein sequence and it might alter its composition and physico-chemical properties. In silico tools predict the variant to be tolerated. The residue is conserved across species. The amino acid change p.Ile1089Val in NALCN is predicted as conserved by GERP++ and PhyloP across 100 vertebrates. For these reasons, this variant has been classified as Uncertain Significance.

NM_052867.4(NALCN):c.3178A>G (p.Ile1060Val)

Gene: NALCN (sodium leak channel, non-selective; minus strand). Cytogenetic location: 13q32.3.
Variant type: single nucleotide variant.
Coding change: c.3178A>G on transcript NM_052867.4 (MANE Select); coding-DNA position 3178, A replaced by G.
Protein change: p.Ile1060Val; replaces isoleucine 1060 with valine.
Molecular consequence: missense variant.
Genome position (GRCh38, 1-based): chr13:101,095,665, T>C on the plus strand (A>G on the coding strand, the complement: NALCN is on the minus strand). VCF-style: chr13-101095665-T-C. GRCh37 (hg19) VCF-style: chr13-101748016-T-C.
Other names: c.3265A>G, p.Ile1089Val (NM_001350748.2); c.3178A>G, p.Ile1060Val (NM_001350749.2); c.3091A>G, p.Ile1031Val (NM_001350750.2, NM_001350751.2); short protein forms I1031V, I1089V, I1060V.
Identifiers: ClinVar variation 2585275 (VCV002585275.1), dbSNP rs755977197, ClinGen allele CA7035467.
Genomic context (GRCh38, chr13:101,095,665, plus strand): 5'-TCTCTCCAGGCCTCAATTTTAAATTTAAGTTCTTTGACACACTGACATTAATTCTGAATA[T>C]GCCATTGCAATCTTCCTAAAGTAGAAAAACAAGAGGAGAGGGGAAACCTGGTCAGAAAAT-3'
Protein context (NP_443099.1, residues 1050-1070): NIIRREDCNG[Ile1060Val]FRINVSVSKN